The following is an entry in ClinVar:

NM_002485.5(NBN):c.2184+1_2184+5del

Gene: NBN (nibrin; minus strand). Cytogenetic location: 8q21.3.
Variant type: Deletion.
Coding change: c.2184+1_2184+5del on transcript NM_002485.5 (MANE Select); the canonical splice donor site of the intron after coding-DNA position 2184 through 5 bases into the intron after coding-DNA position 2184, 5 bases deleted (GTTAG; older notation c.2184+1_2184+5delGTTAG).
Molecular consequence: splice donor variant.
Genome position (GRCh38, 1-based): chr8:89,943,248-89,943,252, CTAAC deleted on the plus strand (GTTAG on the coding strand, the reverse complement: NBN is on the minus strand); deleting any 5 consecutive bases within chr8:89,943,248-89,943,254 gives the same sequence; the c. name uses the placement nearest the transcript's 3' end. VCF-style (leftmost placement, unchanged base first): chr8-89943247-ACTAAC-A. GRCh37 (hg19) VCF-style: chr8-90955475-ACTAAC-A.
Other names: c.1938+1_1938+5del (NM_001024688.3).
Identifiers: ClinVar variation 1787301 (VCV001787301.2), dbSNP rs2488190595, ClinGen allele CA2580079010.

ClinVar aggregate classification (germline): Uncertain significance (1 of 4 stars; one submission).

Conditions:
Hereditary cancer-predisposing syndrome. Also called: Neoplastic Syndromes, Hereditary; Tumor predisposition; Hereditary Cancer Syndrome; Hereditary neoplastic syndrome. Identifiers: Orphanet 140162, MedGen C0027672, MeSH D009386, MONDO:0015356.

Submission:

Ambry Genetics
Classification: Uncertain significance for Hereditary cancer-predisposing syndrome. Last evaluated: 2020-08-28. Review status: criteria provided, single submitter. Criteria: Ambry Variant Classification Scheme 2023. Collection method: clinical testing. Allele origin: germline.
Comment: The c.2184+1_2184+5delGTTAG intronic variant, located in intron 14 of the NBN gene, results from a deletion of 5 nucleotides within intron 14 of the NBN gene. This nucleotide position is well conserved in available vertebrate species. In silico splice site analysis predicts that this alteration will weaken the native splice donor site. The resulting transcript is predicted to be in-frame and is not expected to trigger nonsense-mediated mRNAdecay; however, direct evidence is unavailable. The exact functional effect of the missing amino acids is unknown. Since supporting evidence is limited at this time, the clinical significance of this alteration remains unclear.